The following continues an entry in ClinVar:

NM_001003841.3(SLC6A19):c.517G>A (p.Asp173Asn)

Gene: SLC6A19. ClinVar aggregate classification (germline): Pathogenic/Likely pathogenic. Pathogenic (15); Likely pathogenic (1).

Submissions 16 to 22 of 22:

Laboratory for Molecular Medicine, Mass General Brigham Personalized Medicine
Classification: Pathogenic for Neutral 1 amino acid transport defect. Last evaluated: 2014-04-24. Review status: criteria provided, single submitter. Criteria: LMM Criteria. Collection method: clinical testing. Allele origin: germline. Inheritance: Autosomal recessive inheritance. Observed: 3 variant alleles.
Comment: The p.Asp173Asn (NM_001003841.2 c.517G>A) variant in the SLC6A19 gene has been r eported at least 10 individuals with Hartnup disease, 2 of whom were homozygous and 8 of whom were compound heterozygous with another SLC6A19 variant (Seow 2004 , Azmanov 2008). This is the most frequent pathogenic variant in patients of Eur opean descent (Azmanov 2007). This variant has also been reported in ClinVar (V ariation ID#2019), as pathogenic or likely pathogenic by three laboratories. In vitro studies indicate this variant causes a partial inactivation of the protein (Seow 2004, Camargo 2009). The p.Asp173Asn variant has been identified in 0.3% (384/126,562) of European chromosomes by the Genome Aggregation Database (gnomAD; dbSNP rs121434346), though this frequency is low enough to be consistent with a recessive carrier frequency. In summary, th is variant meets our criteria to be classified as pathogenic for Hartnup disease in an autosomal recessive manner based on functional studies and its occurrence in individuals with this disease.

PreventionGenetics, part of Exact Sciences
Classification: Pathogenic for SLC6A19-related condition. Last evaluated: 2024-09-23. Review status: no assertion criteria provided. Collection method: clinical testing. Allele origin: germline. Not counted in ClinVar's aggregate classification.
Comment: The SLC6A19 c.517G>A variant is predicted to result in the amino acid substitution p.Asp173Asn. This variant has been reported in individuals with autosomal recessive Hartnup disorder and results in reduced transport activity compared to wild type (Seow et al. 2004. PubMed ID: 15286788; Camargo et al. 2009. PubMed ID: 19185582). This variant is reported in 0.30% of alleles in individuals of European (Non-Finnish) descent in gnomAD. This variant is interpreted as pathogenic.

OMIM
Classification: Pathogenic for HARTNUP DISORDER. Last evaluated: 2004-09-01. Review status: no assertion criteria provided. Collection method: literature only. Allele origin: germline. Not counted in ClinVar's aggregate classification.

Clinical Genetics DNA and cytogenetics Diagnostics Lab, Erasmus MC, Erasmus Medical Center
Classification: Pathogenic. Review status: no assertion criteria provided. Collection method: clinical testing. Allele origin: germline. Affected: yes. Study: VKGL Data-share Consensus. Not counted in ClinVar's aggregate classification.

Diagnostic Laboratory, Department of Genetics, University Medical Center Groningen
Classification: Pathogenic. Review status: no assertion criteria provided. Collection method: clinical testing. Allele origin: germline. Affected: yes. Study: VKGL Data-share Consensus. Not counted in ClinVar's aggregate classification.

Genome Diagnostics Laboratory, University Medical Center Utrecht
Classification: Pathogenic. Review status: no assertion criteria provided. Collection method: clinical testing. Allele origin: germline. Affected: yes. Study: VKGL Data-share Consensus. Not counted in ClinVar's aggregate classification.

Genomic Research Center, Shahid Beheshti University of Medical Sciences
Classification: Uncertain significance. Last evaluated: 2020-05-03. Review status: flagged submission. Criteria: ACMG Guidelines, 2015. Collection method: clinical testing. Allele origin: unknown. Affected: no. Not counted in ClinVar's aggregate classification.
ClinVar note: Reason: Older and outlier claim with insufficient supporting evidence

Literature cited by the submitters: PubMed 15286788 (cited by 7 submitters); PubMed 17555458 (cited by 5 submitters); PubMed 18484095 (cited by 3 submitters); PubMed 21814048 (cited by Labcorp Genetics (formerly Invitae), Labcorp); PubMed 19185582 (cited by 3 submitters); PubMed 25082825 (cited by Mayo Clinic Laboratories, Mayo Clinic); PubMed 29431110 (cited by Mayo Clinic Laboratories, Mayo Clinic); PubMed 30487145 (cited by Mayo Clinic Laboratories, Mayo Clinic); PubMed 31589614 (cited by Mayo Clinic Laboratories, Mayo Clinic); PubMed 35606766 (cited by Mayo Clinic Laboratories, Mayo Clinic and Women's Health and Genetics/Laboratory Corporation of America, LabCorp).